The following is an entry in ClinVar:

ClinVar aggregate classification (germline): Uncertain significance (1 of 4 stars; one submission).

Conditions:
Multiple sulfatase deficiency (MSD). Also called: Mucosulfatidosis; Multiple Sulfatase Deficiency Disease; Sulfatidosis, Juvenile, Austin Type. Identifiers: Orphanet 585, MedGen C0268263, MONDO:0010088, OMIM 272200.

Allele frequency attached by ClinVar (database versions not stated): gnomAD 0.00001; ExAC 0.00003.
gnomAD v4.1: 7 of 1,608,392 alleles (0.00044%); highest among the groups gnomAD compares: Admixed American, 0.0084%; no homozygotes.

Submission:

Labcorp Genetics (formerly Invitae), Labcorp
Classification: Uncertain significance for Multiple sulfatase deficiency. Last evaluated: 2022-07-07. Review status: criteria provided, single submitter. Criteria: Invitae Variant Classification Sherloc (09022015). Collection method: clinical testing. Allele origin: germline.
Comment: This sequence change replaces alanine, which is neutral and non-polar, with valine, which is neutral and non-polar, at codon 2 of the SUMF1 protein (p.Ala2Val). The frequency data for this variant in the population databases is considered unreliable, as metrics indicate poor data quality at this position in the gnomAD database. This variant has not been reported in the literature in individuals affected with SUMF1-related conditions. Algorithms developed to predict the effect of missense changes on protein structure and function are either unavailable or do not agree on the potential impact of this missense change (SIFT: "Deleterious"; PolyPhen-2: "Probably Damaging"; Align-GVGD: "Class C0"). In summary, the available evidence is currently insufficient to determine the role of this variant in disease. Therefore, it has been classified as a Variant of Uncertain Significance.

NM_182760.4(SUMF1):c.5C>T (p.Ala2Val)

Gene: SUMF1 (sulfatase modifying factor 1; minus strand). Cytogenetic location: 3p26.1.
Variant type: single nucleotide variant.
Coding change: c.5C>T on transcript NM_182760.4 (MANE Select); coding-DNA position 5, C replaced by T.
Protein change: p.Ala2Val; replaces alanine 2 with valine.
Molecular consequence: missense variant.
Genome position (GRCh38, 1-based): chr3:4,467,241, G>A on the plus strand (C>T on the coding strand, the complement: SUMF1 is on the minus strand). VCF-style: chr3-4467241-G-A. GRCh37 (hg19) VCF-style: chr3-4508925-G-A.
Other names: c.5C>T, p.Ala2Val (NM_001164674.2, NM_001164675.2); short protein forms A2V.
Identifiers: ClinVar variation 2083231 (VCV002083231.1), dbSNP rs764156609, ClinGen allele CA2230753.
Genomic context (GRCh38, chr3:4,467,241, plus strand): 5'-AGCAAGAGGACGAGACCCAGCTCAGGGCAACGTCCACACACCAGCCCTAGTGCGGGCGCA[G>A]CCATGTTGTCCCGCGGGCCATGTGACCCGGTTGGTCACGTGGCTGAGCCCTCCTTAAAGG-3'
Protein context (NP_877437.2, residues 1-12): M[Ala2Val]APALGLVCGR